The following is an entry in ClinVar:

NM_000444.6(PHEX):c.413_419dup (p.Ser141fs)

Gene: PHEX (phosphate regulating endopeptidase X-linked; plus strand). Cytogenetic location: Xp22.11.
Variant type: Duplication.
Coding change: c.413_419dup on transcript NM_000444.6 (MANE Select); coding-DNA positions 413 to 419, 7 bases duplicated (TTTATTC; older notation c.413_419dupTTTATTC).
Protein change: p.Ser141fs; shifts the reading frame from serine 141.
Molecular consequence: frameshift variant.
Genome position (GRCh38, 1-based): chrX:22,076,451-22,076,457, TTTATTC duplicated; duplicating any 7 consecutive bases within chrX:22,076,450-22,076,457 gives the same sequence; the c. name uses the placement nearest the transcript's 3' end. VCF-style (leftmost placement, unchanged base first): chrX-22076449-C-CCTTTATT. GRCh37 (hg19) VCF-style: chrX-22094567-C-CCTTTATT.
Other names: c.413_419dup, p.Ser141fs (NM_001282754.2); short protein forms S141fs.
Identifiers: ClinVar variation 1402074 (VCV001402074.6), dbSNP rs2147019228, ClinGen allele CA2573158515.

ClinVar aggregate classification (germline): Pathogenic (1 of 4 stars; one submission).

Submission:

Labcorp Genetics (formerly Invitae), Labcorp
Classification: Pathogenic. Last evaluated: 2024-01-08. Review status: criteria provided, single submitter. Criteria: Invitae Variant Classification Sherloc (09022015). Collection method: clinical testing. Allele origin: germline.
Comment: This sequence change creates a premature translational stop signal (p.Ser141Leufs*7) in the PHEX gene. It is expected to result in an absent or disrupted protein product. Loss-of-function variants in PHEX are known to be pathogenic (PMID: 9097956, 9106524, 19219621). This variant is not present in population databases (gnomAD no frequency). This variant has not been reported in the literature in individuals affected with PHEX-related conditions. ClinVar contains an entry for this variant (Variation ID: 1402074). Algorithms developed to predict the effect of sequence changes on RNA splicing suggest that this variant may disrupt the consensus splice site. For these reasons, this variant has been classified as Pathogenic.

Literature cited by the submitters: PubMed 9097956; PubMed 9106524; PubMed 19219621.